The following is an entry in ClinVar:

NM_001844.5(COL2A1):c.434C>A (p.Ala145Asp)

Gene: COL2A1 (collagen type II alpha 1 chain; minus strand). Cytogenetic location: 12q13.11.
Variant type: single nucleotide variant.
Coding change: c.434C>A on transcript NM_001844.5 (MANE Select); coding-DNA position 434, C replaced by A.
Protein change: p.Ala145Asp; replaces alanine 145 with aspartic acid.
Molecular consequence: missense variant.
Genome position (GRCh38, 1-based): chr12:47,997,703, G>T on the plus strand (C>A on the coding strand, the complement: COL2A1 is on the minus strand). VCF-style: chr12-47997703-G-T. GRCh37 (hg19) VCF-style: chr12-48391486-G-T.
Other names: c.227C>A, p.Ala76Asp (NM_033150.3); short protein forms A145D, A76D.
Identifiers: ClinVar variation 3364346 (VCV003364346.2).
Genomic context (GRCh38, chr12:47,997,703, plus strand): 5'-CCAGGGGGGCCAGGATTTCCAGGGGTCCCAGGTTCTCCATCTCTGCCACGAGGTCCAGGG[G>T]CACCCTTGGCATAAAGAGAAAAAGGCATCAATGGGAAGCAGTGTTTCTCCAAGAGCCATC-3'
Protein context (NP_001835.3, residues 135-155): GDRGDKGEKG[Ala145Asp]PGPRGRDGEP

ClinVar aggregate classification (germline): Uncertain significance. Review status: criteria provided, multiple submitters, no conflicts (2 of 4 stars). 2 submissions from 2 submitters: Uncertain significance (2). Last evaluated 2026-08-27.

Conditions:
Inborn genetic diseases. Identifiers: MedGen C0950123, MeSH D030342.

Submissions (2):

Ambry Genetics
Classification: Uncertain significance for Inborn genetic diseases. Last evaluated: 2026-08-27. Review status: criteria provided, single submitter. Criteria: Ambry Variant Classification Scheme 2023. Collection method: clinical testing. Allele origin: germline.

GeneDx
Classification: Uncertain significance. Last evaluated: 2023-11-16. Review status: criteria provided, single submitter. Criteria: GeneDx Variant Classification Process June 2021. Collection method: clinical testing. Allele origin: germline. Affected: yes.
Comment: Not observed at significant frequency in large population cohorts (gnomAD); In silico analysis supports that this missense variant does not alter protein structure/function; Has not been previously published as pathogenic or benign to our knowledge